The following is an entry in ClinVar:

NM_001267550.2(TTN):c.2575del (p.Ser858_Val859insTer)

Gene: TTN (titin; minus strand). Cytogenetic location: 2q31.2.
Variant type: Deletion.
Coding change: c.2575del on transcript NM_001267550.2 (MANE Select); coding-DNA position 2575, one base deleted (G; older notation c.2575delG).
Protein change: p.Ser858_Val859insTer.
Molecular consequence: nonsense.
Genome position (GRCh38, 1-based): chr2:178,784,270, C deleted on the plus strand (G on the coding strand, the reverse complement: TTN is on the minus strand); the first of 2 consecutive C bases (chr2:178,784,270-178,784,271); deleting either gives the same sequence. VCF-style (leftmost placement, unchanged base first): chr2-178784269-AC-A. GRCh37 (hg19) VCF-style: chr2-179648996-AC-A.
Other names: c.2575del, p.Ser858_Val859insTer (NM_001256850.1, NM_133378.4, NM_133379.5); c.2437del, p.Ser812_Val813insTer (NM_003319.4, NM_133432.3, NM_133437.4).
Identifiers: ClinVar variation 2953274 (VCV002953274.3), dbSNP rs2533460947, ClinGen allele CA2740096374.

ClinVar aggregate classification (germline): Uncertain significance (1 of 4 stars; one submission).

Conditions:
Autosomal recessive limb-girdle muscular dystrophy type 2J (LGMDR10). Also called: Limb-girdle muscular dystrophy, type 2J; MUSCULAR DYSTROPHY, LIMB-GIRDLE, AUTOSOMAL RECESSIVE 10. Identifiers: Orphanet 140922, MedGen C1837342, MONDO:0012127, OMIM 608807.
Dilated cardiomyopathy 1G (CMD1G). Identifiers: Orphanet 154, MedGen C1858763, MONDO:0011400, OMIM 604145.

Submission:

Labcorp Genetics (formerly Invitae), Labcorp
Classification: Uncertain significance for Dilated cardiomyopathy 1G; Autosomal recessive limb-girdle muscular dystrophy type 2J. Last evaluated: 2025-05-14. Review status: criteria provided, single submitter. Criteria: Invitae Variant Classification Sherloc (09022015). Collection method: clinical testing. Allele origin: germline.
Comment: This sequence change creates a premature translational stop signal (p.Val859*) in the TTN gene. While this is not anticipated to result in nonsense mediated decay, it is expected to create a truncated TTN protein. This variant is not present in population databases (gnomAD no frequency). This variant has not been reported in the literature in individuals affected with TTN-related conditions. ClinVar contains an entry for this variant (Variation ID: 2953274). This variant is located in the Z band of TTN (PMID: 25589632). Non-truncating variants in this region may be clinically relevant, but have not been definitively shown to cause cardiomyopathy or neuromuscular disease (PMID: 27493940, 32778822). In summary, the available evidence is currently insufficient to determine the role of this variant in disease. Therefore, it has been classified as a Variant of Uncertain Significance.

Literature cited by the submitters: PubMed 25589632; PubMed 27493940; PubMed 32778822.